The following is an entry in ClinVar:

NM_004525.3(LRP2):c.10753G>A (p.Asp3585Asn)

Gene: LRP2 (LDL receptor related protein 2; minus strand). Cytogenetic location: 2q31.1.
Variant type: single nucleotide variant.
Coding change: c.10753G>A on transcript NM_004525.3 (MANE Select); coding-DNA position 10753, G replaced by A.
Protein change: p.Asp3585Asn; replaces aspartic acid 3585 with asparagine.
Molecular consequence: missense variant.
Genome position (GRCh38, 1-based): chr2:169,175,208, C>T on the plus strand (G>A on the coding strand, the complement: LRP2 is on the minus strand). VCF-style: chr2-169175208-C-T. GRCh37 (hg19) VCF-style: chr2-170031718-C-T.
Other names: short protein forms D3585N.
Identifiers: ClinVar variation 1515083 (VCV001515083.6), dbSNP rs775469806, ClinGen allele CA1953264.

ClinVar aggregate classification (germline): Uncertain significance (1 of 4 stars; one submission).

Allele frequency attached by ClinVar (database versions not stated): ExAC 0.00001.

Submission:

Labcorp Genetics (formerly Invitae), Labcorp
Classification: Uncertain significance. Last evaluated: 2022-06-20. Review status: criteria provided, single submitter. Criteria: Invitae Variant Classification Sherloc (09022015). Collection method: clinical testing. Allele origin: germline.
Comment: This variant is not present in population databases (gnomAD no frequency). In summary, the available evidence is currently insufficient to determine the role of this variant in disease. Therefore, it has been classified as a Variant of Uncertain Significance. Advanced modeling of protein sequence and biophysical properties (such as structural, functional, and spatial information, amino acid conservation, physicochemical variation, residue mobility, and thermodynamic stability) performed at Invitae indicates that this missense variant is not expected to disrupt LRP2 protein function. This variant has not been reported in the literature in individuals affected with LRP2-related conditions. This sequence change replaces aspartic acid, which is acidic and polar, with asparagine, which is neutral and polar, at codon 3585 of the LRP2 protein (p.Asp3585Asn).